The following is an entry in ClinVar:

NM_002113.3(CFHR1):c.910T>C (p.Tyr304His)

Gene: CFHR1 (complement factor H related 1; plus strand). Cytogenetic location: 1q31.3.
Variant type: single nucleotide variant.
Coding change: c.910T>C on transcript NM_002113.3 (MANE Select); coding-DNA position 910, T replaced by C.
Protein change: p.Tyr304His; replaces tyrosine 304 with histidine.
Molecular consequence: missense variant.
Genome position (GRCh38, 1-based): chr1:196,831,916, T>C. VCF-style: chr1-196831916-T-C. GRCh37 (hg19) VCF-style: chr1-196801046-T-C.
Other names: p.Tyr304His; c.748T>C, p.Tyr250His (NM_001379307.1); c.745T>C, p.Tyr249His (NM_001379308.1); c.742T>C, p.Tyr248His (NM_001379309.1); c.715T>C, p.Tyr239His (NM_001379310.1); c.706T>C, p.Tyr236His (NM_001379311.1); c.667T>C, p.Tyr223His (NM_001379312.1); c.859T>C, p.Tyr287His (NM_001379306.1); short protein forms Y223H, Y236H, Y239H, Y248H, Y249H, Y250H, Y287H, Y304H.
Identifiers: ClinVar variation 3385303 (VCV003385303.4).
Genomic context (GRCh38, chr1:196,831,916, plus strand): 5'-GCCAAACAGAAGCTTTATTTGAGAACAGGTGAATCAGCTGAATTTGTGTGTAAACGGGGA[T>C]ATCGTCTTTCATCACGTTCTCACACATTGCGAACAACATGTTGGGATGGGAAACTGGAGT-3'
Protein context (NP_002104.2, residues 294-314): ESAEFVCKRG[Tyr304His]RLSSRSHTLR

ClinVar aggregate classification (germline): Likely benign. Review status: criteria provided, multiple submitters, no conflicts (2 of 4 stars). 3 submissions from 3 submitters: Likely benign (3). Last evaluated 2026-05-01.

Submissions (3):

CeGaT Center for Human Genetics Tuebingen
Classification: Likely benign. Last evaluated: 2026-05-01. Review status: criteria provided, single submitter. Criteria: CeGaT Center For Human Genetics Tuebingen Variant Classification Criteria Version 2. Collection method: clinical testing. Allele origin: germline. Affected: yes. Observed: 1 variant allele.
Comment: CFHR1: BP4, BS2

Mayo Clinic Laboratories, Mayo Clinic
Classification: Likely benign. Last evaluated: 2024-12-23. Review status: criteria provided, single submitter. Criteria: ACMG Guidelines, 2015. Collection method: clinical testing. Allele origin: germline. Observed: 2 variant alleles.
Comment: BP1, BP4

Women's Health and Genetics/Laboratory Corporation of America, LabCorp
Classification: Likely benign. Last evaluated: 2024-10-15. Review status: criteria provided, single submitter. Criteria: LabCorp Variant Classification Summary - May 2015. Collection method: clinical testing. Allele origin: germline.
Comment: Variant summary: CFHR1 c.910T>C (p.Tyr304His) results in a conservative amino acid change located in the Sushi/SCR/CCP domain (IPR000436) of the encoded protein sequence. Five of five in-silico tools predict a benign effect of the variant on protein function. The variant allele was found at a frequency of 0.00024 in 237212 control chromosomes in the gnomAD database, including 13 homozygotes. The observed variant frequency is approximately 2 fold of the estimated maximal expected allele frequency for a pathogenic variant in CFHR1 causing Genetic Atypical Hemolytic Uremic Syndrome phenotype (0.00016). To our knowledge, no occurrence of c.910T>C in individuals affected with Genetic Atypical Hemolytic Uremic Syndrome and no experimental evidence demonstrating its impact on protein function have been reported. No submitters have cited clinical-significance assessments for this variant to ClinVar. Based on the evidence outlined above, the variant was classified as likely benign.